The following is an entry in ClinVar:

ClinVar aggregate classification (germline): Uncertain significance (1 of 4 stars; one submission).

Submission:

Geisinger Autism and Developmental Medicine Institute, Geisinger Health System
Classification: Uncertain significance. Last evaluated: 2017-05-18. Review status: criteria provided, single submitter. Criteria: ACMG Guidelines, 2015. Collection method: provider interpretation, clinical testing. Allele origin: de novo. Observed: 1 variant allele.
Comment: This is a gene of uncertain significance; no known human disorders have been clearly associated with this gene. This variant is absent from the gnomAD database.

NM_018221.5(MOB1A):c.431_432del (p.Phe144fs)

Gene: MOB1A (MOB kinase activator 1A; minus strand). Cytogenetic location: 2p13.1.
Variant type: Deletion.
Coding change: c.431_432del on transcript NM_018221.5 (MANE Select); coding-DNA positions 431 to 432, 2 bases deleted (TT; older notation c.431_432delTT).
Protein change: p.Phe144fs; shifts the reading frame from phenylalanine 144.
Molecular consequence: frameshift variant. On other transcripts: intron variant (1).
Genome position (GRCh38, 1-based): chr2:74,159,232-74,159,233, AA deleted on the plus strand (TT on the coding strand, the reverse complement: MOB1A is on the minus strand); deleting any 2 consecutive bases within chr2:74,159,232-74,159,234 gives the same sequence; the c. name uses the placement nearest the transcript's 3' end. VCF-style (leftmost placement, unchanged base first): chr2-74159231-TAA-T. GRCh37 (hg19) VCF-style: chr2-74386358-TAA-T.
Other names: c.428_429del, p.Phe143fs (NM_001317110.2); c.557_558del, p.Phe186fs (NM_001317111.2); c.410-2588_410-2587del (NM_001317112.2); short protein forms F143fs, F144fs, F186fs.
Identifiers: ClinVar variation 560236 (VCV000560236.3), dbSNP rs1558830933, ClinGen allele CA658822574.